The following is an entry in ClinVar:

NM_001080517.3(SETD5):c.1551C>G (p.Ala517=)

Gene: SETD5 (SET domain containing 5; plus strand). Cytogenetic location: 3p25.3.
Variant type: single nucleotide variant.
Coding change: c.1551C>G on transcript NM_001080517.3 (MANE Select); coding-DNA position 1551, C replaced by G.
Protein change: p.Ala517=; no amino-acid change (alanine 517 retained).
Molecular consequence: synonymous variant.
Genome position (GRCh38, 1-based): chr3:9,447,076, C>G. VCF-style: chr3-9447076-C-G. GRCh37 (hg19) VCF-style: chr3-9488760-C-G.
Other names: c.1257C>G, p.Ala419= (NM_001292043.2, NM_001349451.2).
Identifiers: ClinVar variation 1978995 (VCV001978995.18), dbSNP rs762880160, ClinGen allele CA2239232.

ClinVar aggregate classification (germline): Benign/Likely benign. Review status: criteria provided, multiple submitters, no conflicts (2 of 4 stars). 2 submissions from 2 submitters: Benign (1); Likely benign (1). Last evaluated 2025-03-07.

Allele frequency attached by ClinVar (database versions not stated): TOPMed 0.00002; gnomAD 0.00009.
gnomAD v4.1: 134 of 1,612,350 alleles (0.0083%); highest among the groups gnomAD compares: Non-Finnish European, 0.0065%; no homozygotes.

Submissions (2):

Labcorp Genetics (formerly Invitae), Labcorp
Classification: Benign. Last evaluated: 2025-03-07. Review status: criteria provided, single submitter. Criteria: Invitae Variant Classification Sherloc (09022015). Collection method: clinical testing. Allele origin: germline.

CeGaT Center for Human Genetics Tuebingen
Classification: Likely benign. Last evaluated: 2024-10-01. Review status: criteria provided, single submitter. Criteria: CeGaT Center For Human Genetics Tuebingen Variant Classification Criteria Version 2. Collection method: clinical testing. Allele origin: germline. Affected: yes. Observed: 1 variant allele.
Comment: SETD5: BP4